The following is an entry in ClinVar:

ClinVar aggregate classification (germline): Likely benign. Review status: criteria provided, multiple submitters, no conflicts (2 of 4 stars). 5 submissions from 5 submitters: Likely benign (5). Last evaluated 2026-01-07.

Conditions:
Kabuki syndrome. Also called: NIIKAWA-KUROKI SYNDROME; Kabuki make-up syndrome. Identifiers: Orphanet 2322, MedGen C0796004, MONDO:0016512.

Allele frequency attached by ClinVar (database versions not stated): gnomAD 0.00004 and 0.00005; TOPMed 0.00011; ExAC 0.00012; gnomAD exomes 0.00012.
gnomAD v4.1: 187 of 1,613,864 alleles (0.012%); highest among the groups gnomAD compares: Middle Eastern, 0.45%; 1 homozygote.

Submissions (5):

Labcorp Genetics (formerly Invitae), Labcorp
Classification: Likely benign for Kabuki syndrome. Last evaluated: 2026-01-07. Review status: criteria provided, single submitter. Criteria: Invitae Variant Classification Sherloc (09022015). Collection method: clinical testing. Allele origin: germline.

Blueprint Genetics
Classification: Likely benign. Last evaluated: 2024-11-25. Review status: criteria provided, single submitter. Criteria: ACMG Guidelines, 2015. Collection method: clinical testing. Allele origin: germline.

CeGaT Center for Human Genetics Tuebingen
Classification: Likely benign. Last evaluated: 2024-09-01. Review status: criteria provided, single submitter. Criteria: CeGaT Center For Human Genetics Tuebingen Variant Classification Criteria Version 2. Collection method: clinical testing. Allele origin: germline. Affected: yes. Observed: 3 variant alleles.
Comment: KMT2D: BP4, BP7

Breakthrough Genomics
Classification: Likely benign. Review status: criteria provided, single submitter. Criteria: ACMG Guidelines, 2015. Collection method: not provided. Allele origin: germline. Inheritance: Autosomal dominant inheritance. Affected: yes.

PreventionGenetics, part of Exact Sciences
Classification: Likely benign. Review status: criteria provided, single submitter. Criteria: ACMG Guidelines, 2015. Collection method: clinical testing. Allele origin: germline.

NM_003482.4(KMT2D):c.9034C>T (p.Leu3012=)

Gene: KMT2D (lysine methyltransferase 2D; minus strand). Cytogenetic location: 12q13.12.
Variant type: single nucleotide variant.
Coding change: c.9034C>T on transcript NM_003482.4 (MANE Select); coding-DNA position 9034, C replaced by T.
Protein change: p.Leu3012=; no amino-acid change (leucine 3012 retained).
Molecular consequence: synonymous variant.
Genome position (GRCh38, 1-based): chr12:49,038,322, G>A on the plus strand (C>T on the coding strand, the complement: KMT2D is on the minus strand). VCF-style: chr12-49038322-G-A. GRCh37 (hg19) VCF-style: chr12-49432105-G-A.
Identifiers: ClinVar variation 259063 (VCV000259063.37), dbSNP rs752355105, ClinGen allele CA6546752.